The following is an entry in ClinVar:

NM_020631.6(PLEKHG5):c.2249+4C>T

Gene: PLEKHG5 (pleckstrin homology and RhoGEF domain containing G5; minus strand). Cytogenetic location: 1p36.31.
Variant type: single nucleotide variant.
Coding change: c.2249+4C>T on transcript NM_020631.6 (MANE Select); 4 bases into the intron after coding-DNA position 2249, C replaced by T.
Molecular consequence: intron variant.
Genome position (GRCh38, 1-based): chr1:6,469,038, G>A on the plus strand (C>T on the coding strand, the complement: PLEKHG5 is on the minus strand). VCF-style: chr1-6469038-G-A. GRCh37 (hg19) VCF-style: chr1-6529098-G-A.
Other names: c.2249+4C>T (NM_020631.3, NM_198681.4, NM_001265594.3 and 2 more transcripts); c.2360+4C>T (NM_001042663.3, NM_001265592.2); c.2456+4C>T (NM_001265593.2).
Identifiers: ClinVar variation 297947 (VCV000297947.13), dbSNP rs751575330, ClinGen allele CA561210.

ClinVar aggregate classification (germline): Uncertain significance. Review status: criteria provided, multiple submitters, no conflicts (2 of 4 stars). 6 submissions from 6 submitters: Uncertain significance (5). 1 of the submissions does not count toward it. Last evaluated 2025-06-02.

Conditions:
Neuronopathy, distal hereditary motor, autosomal recessive 4. Also called: Autosomal recessive lower motor neuron disease with childhood onset; NEUROPATHY, DISTAL HEREDITARY MOTOR, AUTOSOMAL RECESSIVE 4. Identifiers: Orphanet 206580, MedGen C1970211, MONDO:0012608, OMIM 611067.
Charcot-Marie-Tooth disease recessive intermediate C. Also called: CHARCOT-MARIE-TOOTH NEUROPATHY, RECESSIVE INTERMEDIATE C. Identifiers: Orphanet 369867, MedGen C3809309, MONDO:0014154, OMIM 615376.
Inborn genetic diseases. Identifiers: MedGen C0950123, MeSH D030342.
Distal spinal muscular atrophy. Also called: Distal hereditary motor neuropathy; Distal hereditary motor neuronopathy. Identifiers: Orphanet 53739, MedGen C0393541, MONDO:0018894.

Allele frequency attached by ClinVar (database versions not stated): gnomAD 0.00001; TOPMed 0.00001; ExAC 0.00002; gnomAD exomes 0.00003.
gnomAD v4.1: 52 of 1,612,288 alleles (0.0032%); highest among the groups gnomAD compares: Non-Finnish European, 0.0041%; no homozygotes.

Submissions (6):

Women's Health and Genetics/Laboratory Corporation of America, LabCorp
Classification: Uncertain significance. Last evaluated: 2025-06-02. Review status: criteria provided, single submitter. Criteria: LabCorp Variant Classification Summary - May 2015. Collection method: clinical testing. Allele origin: germline.

Labcorp Genetics (formerly Invitae), Labcorp
Classification: Uncertain significance for Neuronopathy, distal hereditary motor, autosomal recessive 4; Charcot-Marie-Tooth disease recessive intermediate C. Last evaluated: 2022-08-10. Review status: criteria provided, single submitter. Criteria: Invitae Variant Classification Sherloc (09022015). Collection method: clinical testing. Allele origin: germline.
Comment: This sequence change falls in intron 19 of the PLEKHG5 gene. It does not directly change the encoded amino acid sequence of the PLEKHG5 protein. It affects a nucleotide within the consensus splice site. This variant is present in population databases (rs751575330, gnomAD 0.01%). This variant has not been reported in the literature in individuals affected with PLEKHG5-related conditions. ClinVar contains an entry for this variant (Variation ID: 297947). Variants that disrupt the consensus splice site are a relatively common cause of aberrant splicing (PMID: 17576681, 9536098). Algorithms developed to predict the effect of sequence changes on RNA splicing suggest that this variant is not likely to affect RNA splicing. In summary, the available evidence is currently insufficient to determine the role of this variant in disease. Therefore, it has been classified as a Variant of Uncertain Significance.

Ambry Genetics
Classification: Uncertain significance for Inborn genetic diseases. Last evaluated: 2022-05-11. Review status: criteria provided, single submitter. Criteria: Ambry Variant Classification Scheme 2023. Collection method: clinical testing. Allele origin: germline.
Comment: The c.2249+4C>T intronic variant results from a C to T substitution 4 nucleotides after coding exon 18 in the PLEKHG5 gene. This nucleotide position is not well conserved in available vertebrate species. In silico splice site analysis predicts that this alteration will not have any significant effect on splicing. Since supporting evidence is limited at this time, the clinical significance of this alteration remains unclear.

Illumina Laboratory Services, Illumina
Classification: Uncertain significance for Neuronopathy, distal hereditary motor, autosomal recessive 4. Last evaluated: 2018-01-13. Review status: criteria provided, single submitter. Criteria: ICSL Variant Classification Criteria 13 December 2019. Collection method: clinical testing. Allele origin: germline.

Breakthrough Genomics
Classification: Uncertain significance. Review status: criteria provided, single submitter. Criteria: ACMG Guidelines, 2015. Collection method: not provided. Allele origin: germline. Inheritance: Autosomal recessive inheritance. Affected: yes.

Institute of Human Genetics, Cologne University
Classification: Uncertain significance for Distal spinal muscular atrophy. Last evaluated: 2018-04-26. Review status: no assertion criteria provided. Collection method: clinical testing. Allele origin: unknown. Affected: yes. Not counted in ClinVar's aggregate classification.

Literature cited by the submitters: PubMed 17576681 (cited by Labcorp Genetics (formerly Invitae), Labcorp); PubMed 9536098 (cited by Labcorp Genetics (formerly Invitae), Labcorp).